The following is an entry in ClinVar:

ClinVar aggregate classification (germline): Uncertain significance (1 of 4 stars; one submission).

Conditions:
Renal tubular acidosis with progressive nerve deafness. Also called: RENAL TUBULAR ACIDOSIS, AUTOSOMAL RECESSIVE, WITH PROGRESSIVE NERVE DEAFNESS; RTA WITH PROGRESSIVE NERVE DEAFNESS; Distal Renal Tubular Acidosis with Progressive Sensorineural Deafness; renal tubular acidosis, distal, 2, with progressive sensorineural hearing loss. Identifiers: MedGen C0403554, MONDO:0009968, OMIM 267300.

Submission:

Department of Molecular Genetics, Istishari Arab Hospital
Classification: Uncertain significance for Renal tubular acidosis with progressive nerve deafness. Last evaluated: 2025-11-27. Review status: criteria provided, single submitter. Criteria: ACMG Guidelines, 2015. Collection method: clinical testing. Allele origin: germline. Inheritance: Autosomal recessive inheritance. Affected: yes.
Comment: The ATP6V1B1 variant c.1408_1410dup, p.Ser470dup creates an insertion of a duplicate of codon 470. This variant is not observed in the gnomAD v4.1.0 dataset and has not been previously described in the literature. It is classified as a variant of uncertain significance (class 3) according to the recommendations of ACMG/AMP/ClinGen SVI guidelines.

NM_001692.4(ATP6V1B1):c.1408_1410dup (p.Ser470_Leu471insSer)

Gene: ATP6V1B1 (ATPase H+ transporting V1 subunit B1; plus strand). Cytogenetic location: 2p13.3.
Variant type: Duplication.
Coding change: c.1408_1410dup on transcript NM_001692.4 (MANE Select); coding-DNA positions 1408 to 1410, 3 bases duplicated (TCG; older notation c.1408_1410dupTCG).
Protein change: p.Ser470_Leu471insSer.
Molecular consequence: inframe insertion.
Genome position (GRCh38, 1-based): chr2:70,964,987-70,964,989, TCG duplicated; duplicating any 3 consecutive bases within chr2:70,964,986-70,964,989 gives the same sequence; the c. name uses the placement nearest the transcript's 3' end. VCF-style (leftmost placement, unchanged base first): chr2-70964985-A-AGTC. GRCh37 (hg19) VCF-style: chr2-71192115-A-AGTC.
Other names: p.Ser470dup.
Identifiers: ClinVar variation 4532260 (VCV004532260.1).